The following is an entry in ClinVar:

ClinVar aggregate classification (germline): Uncertain significance (1 of 4 stars; one submission).

Submission:

GeneDx
Classification: Uncertain significance. Last evaluated: 2024-12-09. Review status: criteria provided, single submitter. Criteria: GeneDx Variant Classification Process June 2021. Collection method: clinical testing. Allele origin: germline. Affected: yes.
Comment: Not observed at significant frequency in large population cohorts (gnomAD); In silico analysis supports that this missense variant has a deleterious effect on protein structure/function; Has not been previously published as pathogenic or benign to our knowledge

NM_001042750.2(STAG2):c.2120A>G (p.Asp707Gly)

Gene: STAG2 (STAG2 cohesin complex component; plus strand). Cytogenetic location: Xq25.
Variant type: single nucleotide variant.
Coding change: c.2120A>G on transcript NM_001042750.2 (MANE Select); coding-DNA position 2120, A replaced by G.
Protein change: p.Asp707Gly; replaces aspartic acid 707 with glycine.
Molecular consequence: missense variant.
Genome position (GRCh38, 1-based): chrX:124,066,198, A>G. VCF-style: chrX-124066198-A-G. GRCh37 (hg19) VCF-style: chrX-123200048-A-G.
Other names: c.2120A>G, p.Asp707Gly (NM_001042749.2, NM_001042751.2, NM_001282418.2 and 13 more transcripts); short protein forms D707G.
Identifiers: ClinVar variation 3901529 (VCV003901529.1).